The following is an entry in ClinVar:

NM_002227.4(JAK1):c.3361C>G (p.Pro1121Ala)

Gene: JAK1 (Janus kinase 1; minus strand). Cytogenetic location: 1p31.3.
Variant type: single nucleotide variant.
Coding change: c.3361C>G on transcript NM_002227.4 (MANE Select); coding-DNA position 3361, C replaced by G.
Protein change: p.Pro1121Ala; replaces proline 1121 with alanine.
Molecular consequence: missense variant.
Genome position (GRCh38, 1-based): chr1:64,835,404, G>C on the plus strand (C>G on the coding strand, the complement: JAK1 is on the minus strand). VCF-style: chr1-64835404-G-C. GRCh37 (hg19) VCF-style: chr1-65301087-G-C.
Other names: c.3361C>G, p.Pro1121Ala (NM_001320923.2, NM_001321852.2, NM_001321853.2 and 3 more transcripts); c.3358C>G, p.Pro1120Ala (NM_001321857.2); c.3361C>G (NM_002227.2); short protein forms P1120A, P1121A.
Identifiers: ClinVar variation 1391438 (VCV001391438.9), dbSNP rs1413899535, ClinGen allele CA340660120.

ClinVar aggregate classification (germline): Uncertain significance. Review status: criteria provided, multiple submitters, no conflicts (2 of 4 stars). 2 submissions from 2 submitters: Uncertain significance (2). Last evaluated 2025-06-29.

Conditions:
Inborn genetic diseases. Identifiers: MedGen C0950123, MeSH D030342.

Allele frequency attached by ClinVar (database versions not stated): TOPMed 0.00001.
gnomAD v4.1: 2 of 1,578,624 alleles (0.00013%); highest among the groups gnomAD compares: Non-Finnish European, 0.000086%; no homozygotes.

Submissions (2):

Ambry Genetics
Classification: Uncertain significance for Inborn genetic diseases. Last evaluated: 2025-06-29. Review status: criteria provided, single submitter. Criteria: Ambry Variant Classification Scheme 2023. Collection method: clinical testing. Allele origin: germline.

Labcorp Genetics (formerly Invitae), Labcorp
Classification: Uncertain significance. Last evaluated: 2025-03-18. Review status: criteria provided, single submitter. Criteria: Invitae Variant Classification Sherloc (09022015). Collection method: clinical testing. Allele origin: germline.
Comment: This sequence change replaces proline, which is neutral and non-polar, with alanine, which is neutral and non-polar, at codon 1121 of the JAK1 protein (p.Pro1121Ala). The frequency data for this variant in the population databases is considered unreliable, as metrics indicate poor data quality at this position in the gnomAD database. This variant has not been reported in the literature in individuals affected with JAK1-related conditions. ClinVar contains an entry for this variant (Variation ID: 1391438). Invitae Evidence Modeling of protein sequence and biophysical properties (such as structural, functional, and spatial information, amino acid conservation, physicochemical variation, residue mobility, and thermodynamic stability) indicates that this missense variant is expected to disrupt JAK1 protein function with a positive predictive value of 80%. In summary, the available evidence is currently insufficient to determine the role of this variant in disease. Therefore, it has been classified as a Variant of Uncertain Significance.